The following is an entry in ClinVar:

NM_000642.3(AGL):c.4404G>C (p.Leu1468Phe)

Gene: AGL (amylo-alpha-1,6-glucosidase and 4-alpha-glucanotransferase; plus strand). Cytogenetic location: 1p21.2.
Variant type: single nucleotide variant.
Coding change: c.4404G>C on transcript NM_000642.3 (MANE Select); coding-DNA position 4404, G replaced by C.
Protein change: p.Leu1468Phe; replaces leucine 1468 with phenylalanine.
Molecular consequence: missense variant.
Genome position (GRCh38, 1-based): chr1:99,916,654, G>C. VCF-style: chr1-99916654-G-C. GRCh37 (hg19) VCF-style: chr1-100382210-G-C.
Other names: c.4404G>C, p.Leu1468Phe (NM_000028.3, NM_000643.3, NM_000644.3 and 1 more transcripts); c.4356G>C, p.Leu1452Phe (NM_000646.3); c.4383G>C, p.Leu1461Phe (NM_001425326.1); c.4203G>C, p.Leu1401Phe (NM_001425327.1); c.4200G>C, p.Leu1400Phe (NM_001425328.1); c.4065G>C, p.Leu1355Phe (NM_001425329.1); c.4026G>C, p.Leu1342Phe (NM_001425332.1); short protein forms L1468F, L1452F, L1342F, L1355F, L1400F, L1401F, L1461F.
Identifiers: ClinVar variation 1371140 (VCV001371140.4), dbSNP rs2100876196, ClinGen allele CA341342512.

ClinVar aggregate classification (germline): Uncertain significance (1 of 4 stars; one submission).

Conditions:
Glycogen storage disease type III (GSD3). Also called: Cori disease; FORBES DISEASE. Identifiers: Orphanet 366, MedGen C0017922, MONDO:0009291, OMIM 232400.

Submission:

Labcorp Genetics (formerly Invitae), Labcorp
Classification: Uncertain significance for Glycogen storage disease type III. Last evaluated: 2021-11-05. Review status: criteria provided, single submitter. Criteria: Invitae Variant Classification Sherloc (09022015). Collection method: clinical testing. Allele origin: germline.
Comment: In summary, the available evidence is currently insufficient to determine the role of this variant in disease. Therefore, it has been classified as a Variant of Uncertain Significance. Algorithms developed to predict the effect of missense changes on protein structure and function (SIFT, PolyPhen-2, Align-GVGD) all suggest that this variant is likely to be tolerated. This variant has not been reported in the literature in individuals affected with AGL-related conditions. This variant is not present in population databases (gnomAD no frequency). This sequence change replaces leucine, which is neutral and non-polar, with phenylalanine, which is neutral and non-polar, at codon 1468 of the AGL protein (p.Leu1468Phe).